The following is an entry in ClinVar:

NM_032018.7(SPRTN):c.165A>G (p.Gln55=)

Gene: SPRTN (SprT-like N-terminal domain; plus strand). Cytogenetic location: 1q42.2.
Variant type: single nucleotide variant.
Coding change: c.165A>G on transcript NM_032018.7 (MANE Select); coding-DNA position 165, A replaced by G.
Protein change: p.Gln55=; no amino-acid change (glutamine 55 retained).
Molecular consequence: synonymous variant.
Genome position (GRCh38, 1-based): chr1:231,338,548, A>G. VCF-style: chr1-231338548-A-G. GRCh37 (hg19) VCF-style: chr1-231474294-A-G.
Other names: c.165A>G, p.Gln55= (NM_001010984.4, NM_001261462.3).
Identifiers: ClinVar variation 3387913 (VCV003387913.14).
Genomic context (GRCh38, chr1:231,338,548, plus strand): 5'-GTGGGAGTTGGTGGACCCCACACCGGACTTGCAGGCACTGTTTGTTCAGTTTAACGACCA[A>G]TTCTTCTGGGGCCAGCTGGAGGCCGTCGAGGTGAAGTGGAGCGTGCGAATGACCCTGTGA-3'
Protein context (NP_114407.3, residues 45-65): LQALFVQFND[Gln55=]FFWGQLEAVE

ClinVar aggregate classification (germline): Benign (1 of 4 stars; one submission).

Submission:

CeGaT Center for Human Genetics Tuebingen
Classification: Benign. Last evaluated: 2026-04-01. Review status: criteria provided, single submitter. Criteria: CeGaT Center For Human Genetics Tuebingen Variant Classification Criteria Version 2. Collection method: clinical testing. Allele origin: germline. Affected: yes. Observed: 2 variant alleles.
Comment: SPRTN: BP4, BP7, BS1, BS2